The following is an entry in ClinVar:

NM_052876.4(NACC1):c.610G>A (p.Ala204Thr)

Gene: NACC1 (nucleus accumbens associated 1; plus strand). Cytogenetic location: 19p13.13.
Variant type: single nucleotide variant.
Coding change: c.610G>A on transcript NM_052876.4 (MANE Select); coding-DNA position 610, G replaced by A.
Protein change: p.Ala204Thr; replaces alanine 204 with threonine.
Molecular consequence: missense variant.
Genome position (GRCh38, 1-based): chr19:13,135,817, G>A. VCF-style: chr19-13135817-G-A. GRCh37 (hg19) VCF-style: chr19-13246631-G-A.
Other names: short protein forms A204T.
Identifiers: ClinVar variation 2713372 (VCV002713372.3), dbSNP rs1314006920, ClinGen allele CA404325741.

ClinVar aggregate classification (germline): Uncertain significance (1 of 4 stars; one submission).

Allele frequency attached by ClinVar (database versions not stated): gnomAD 0.00001.

Submission:

Labcorp Genetics (formerly Invitae), Labcorp
Classification: Uncertain significance. Last evaluated: 2023-08-30. Review status: criteria provided, single submitter. Criteria: Invitae Variant Classification Sherloc (09022015). Collection method: clinical testing. Allele origin: germline.
Comment: In summary, the available evidence is currently insufficient to determine the role of this variant in disease. Therefore, it has been classified as a Variant of Uncertain Significance. Advanced modeling of protein sequence and biophysical properties (such as structural, functional, and spatial information, amino acid conservation, physicochemical variation, residue mobility, and thermodynamic stability) performed at Invitae indicates that this missense variant is not expected to disrupt NACC1 protein function. This variant has not been reported in the literature in individuals affected with NACC1-related conditions. This variant is present in population databases (no rsID available, gnomAD 0.006%). This sequence change replaces alanine, which is neutral and non-polar, with threonine, which is neutral and polar, at codon 204 of the NACC1 protein (p.Ala204Thr).